The following is an entry in ClinVar:

NM_000287.4(PEX6):c.796_797delinsG (p.Leu266fs)

Gene: PEX6 (peroxisomal biogenesis factor 6; minus strand). Cytogenetic location: 6p21.1.
Variant type: Indel.
Coding change: c.796_797delinsG on transcript NM_000287.4 (MANE Select); coding-DNA positions 796 to 797, CT replaced by G.
Protein change: p.Leu266fs; shifts the reading frame from leucine 266.
Molecular consequence: frameshift variant. On other transcripts: non-coding transcript variant (1), intron variant (1).
Genome position (GRCh38, 1-based): chr6:42,978,354-42,978,355, AG replaced by C on the plus strand (CT replaced by G on the coding strand, the reverse complement: PEX6 is on the minus strand). VCF-style: chr6-42978354-AG-C. GRCh37 (hg19) VCF-style: chr6-42946092-AG-C.
Other names: c.618+178_618+179delinsG (NM_001316313.2); short protein forms L266fs.
Identifiers: ClinVar variation 4818122 (VCV004818122.1).

ClinVar aggregate classification (germline): Likely pathogenic (1 of 4 stars; one submission).

Conditions:
Zellweger spectrum disorders (ZS). Also called: Zellweger Spectrum Disorder (ZSD); Zellweger syndrome; Zellweger Spectrum Disorder; Zellweger Spectrum. Identifiers: Orphanet 912, MedGen C0043459, MONDO:0019609.

Submission:

Natera, Inc.
Classification: Likely pathogenic for Zellweger syndrome. Last evaluated: 2024-08-05. Review status: criteria provided, single submitter. Criteria: Natera Variant Classification Schema (03/2026). Collection method: clinical testing. Allele origin: germline.
Comment: The c.796_797delinsG variant in PEX6 is a frameshift variant predicted to shift the reading frame beginning at codon 266 and leads to a stop codon 85 codons downstream. This variant is expected to result in nonsense mediated decay, truncation, or a dysfunctional protein product. This variant is rare in the general population with a frequency below the threshold expected for the associated phenotype(s). Given the available evidence, this variant is classified as Likely Pathogenic.